The following is an entry in ClinVar:

NM_001365951.3(KIF1B):c.3665C>T (p.Pro1222Leu)

Gene: KIF1B (kinesin family member 1B; plus strand). Cytogenetic location: 1p36.22.
Variant type: single nucleotide variant.
Coding change: c.3665C>T on transcript NM_001365951.3 (MANE Select); coding-DNA position 3665, C replaced by T.
Protein change: p.Pro1222Leu; replaces proline 1222 with leucine.
Molecular consequence: missense variant.
Genome position (GRCh38, 1-based): chr1:10,343,264, C>T. VCF-style: chr1-10343264-C-T. GRCh37 (hg19) VCF-style: chr1-10403322-C-T.
Other names: c.3665C>T, p.Pro1222Leu (NM_001365952.1); c.3527C>T, p.Pro1176Leu (NM_015074.3); short protein forms P1176L, P1222L.
Identifiers: ClinVar variation 1732312 (VCV001732312.2), dbSNP rs2521760549, ClinGen allele CA338342124.

ClinVar aggregate classification (germline): Uncertain significance (1 of 4 stars; one submission).

Allele frequency attached by ClinVar (database versions not stated): gnomAD exomes below 0.00001.
gnomAD v4.1: 2 of 1,614,208 alleles (0.00012%); highest among the groups gnomAD compares: African/African-American, 0.0013%; no homozygotes.

Submission:

Ambry Genetics
Classification: Uncertain significance. Last evaluated: 2024-01-03. Review status: criteria provided, single submitter. Criteria: Ambry Variant Classification Scheme 2023. Collection method: clinical testing. Allele origin: germline.
Comment: The p.P1176L variant (also known as c.3527C>T), located in coding exon 31 of the KIF1B gene, results from a C to T substitution at nucleotide position 3527. The proline at codon 1176 is replaced by leucine, an amino acid with similar properties. This amino acid position is well conserved in available vertebrate species. In addition, this alteration is predicted to be tolerated by in silico analysis. Since supporting evidence is limited at this time, the clinical significance of this alteration remains unclear.